The following is an entry in ClinVar:

ClinVar aggregate classification (germline): Uncertain significance. Review status: criteria provided, multiple submitters, no conflicts (2 of 4 stars). 2 submissions from 2 submitters: Uncertain significance (2). Last evaluated 2024-11-15.

Conditions:
Generalized epilepsy-paroxysmal dyskinesia syndrome (PNKD3). Also called: Generalized epilepsy and paroxysmal dyskinesia; Paroxysmal nonkinesigenic dyskinesia, 3, with or without generalized epilepsy. Identifiers: Orphanet 79137, MedGen C5574945, MONDO:0012276, OMIM 609446.

Allele frequency attached by ClinVar (database versions not stated): gnomAD exomes below 0.00001.
gnomAD v4.1: 1 of 1,614,030 alleles (0.000062%); highest among the groups gnomAD compares: Non-Finnish European, 0.000085%; no homozygotes.

Submissions (2):

GeneDx
Classification: Uncertain significance. Last evaluated: 2024-11-15. Review status: criteria provided, single submitter. Criteria: GeneDx Variant Classification Process June 2021. Collection method: clinical testing. Allele origin: germline. Affected: yes.
Comment: Reported as a de novo variant in a patient with autism; however, this patient also harbors several other de novo variants (PMID: 35982160); In silico analysis supports that this missense variant has a deleterious effect on protein structure/function; Not observed at significant frequency in large population cohorts (gnomAD); This variant is associated with the following publications: (PMID: 35982160)

Labcorp Genetics (formerly Invitae), Labcorp
Classification: Uncertain significance for Generalized epilepsy-paroxysmal dyskinesia syndrome. Last evaluated: 2023-07-29. Review status: criteria provided, single submitter. Criteria: Invitae Variant Classification Sherloc (09022015). Collection method: clinical testing. Allele origin: germline.
Comment: This sequence change replaces threonine, which is neutral and polar, with methionine, which is neutral and non-polar, at codon 971 of the KCNMA1 protein (p.Thr971Met). This variant is not present in population databases (gnomAD no frequency). In summary, the available evidence is currently insufficient to determine the role of this variant in disease. Therefore, it has been classified as a Variant of Uncertain Significance. Advanced modeling of protein sequence and biophysical properties (such as structural, functional, and spatial information, amino acid conservation, physicochemical variation, residue mobility, and thermodynamic stability) has been performed at Invitae for this missense variant, however the output from this modeling did not meet the statistical confidence thresholds required to predict the impact of this variant on KCNMA1 protein function. This variant has not been reported in the literature in individuals affected with KCNMA1-related conditions.

NM_001161352.2(KCNMA1):c.3086C>T (p.Thr1029Met)

Genes: KCNMA1-AS1 (KCNMA1 antisense RNA 1; plus strand), KCNMA1 (potassium calcium-activated channel subfamily M alpha 1; minus strand). Cytogenetic location: 10q22.3.
Variant type: single nucleotide variant.
Coding change: c.3086C>T on transcript NM_001161352.2 (MANE Select); coding-DNA position 3086, C replaced by T.
Protein change: p.Thr1029Met; replaces threonine 1029 with methionine.
Molecular consequence: missense variant.
Genome position (GRCh38, 1-based): chr10:76,910,027, G>A on the plus strand (C>T on the coding strand, the complement: KCNMA1 is on the minus strand). VCF-style: chr10-76910027-G-A. GRCh37 (hg19) VCF-style: chr10-78669785-G-A.
Other names: c.2924C>T, p.Thr975Met (NM_001014797.3); c.3035C>T, p.Thr1012Met (NM_001161353.2); c.2762C>T, p.Thr921Met (NM_001271518.2); c.3002C>T, p.Thr1001Met (NM_001271519.2); c.2921C>T, p.Thr974Met (NM_001322829.2, NM_001322836.2); c.3014C>T, p.Thr1005Met (NM_001322830.2); c.2912C>T, p.Thr971Met (NM_001322832.2, NM_001410940.1, NM_002247.4); c.3005C>T, p.Thr1002Met (NM_001322835.2, NM_001322837.2); and 2 more; short protein forms T1001M, T1002M, T1029M, T974M, T921M, T1005M, T1012M, T820M.
Identifiers: ClinVar variation 2864991 (VCV002864991.4), dbSNP rs2548850710, ClinGen allele CA377403836.
Genomic context (GRCh38, chr10:76,910,027, plus strand): 5'-GCGCTCATGAGTGAGTCCAGGACACTGACGGCAAATGCTGTCCCACAGGCAAAGGGCTGC[G>A]TGAGGTACAGTTCTGTATCAGGGTCATCATCATCGTCTTGGTCCAAAAACTGAACATTAG-3'
Protein context (NP_001154824.1, residues 1019-1039): DDDPDTELYL[Thr1029Met]QPFACGTAFA